The following is an entry in ClinVar:

ClinVar aggregate classification (germline): Likely benign (1 of 4 stars; one submission).

Conditions:
Hereditary breast ovarian cancer syndrome. Also called: Hereditary breast and ovarian cancer syndrome (HBOC); Hereditary breast and ovarian cancer; BRCA1- and BRCA2-Associated Hereditary Breast and Ovarian Cancer; Breast and ovarian cancer; Hereditary breast and ovarian cancer syndrome; Hereditary breast and/or ovarian cancer syndrome. Identifiers: Orphanet 145, MedGen C0677776, MeSH D061325, MONDO:0003582. Disease mechanism: loss of function.

Submissions (2):

Labcorp Genetics (formerly Invitae), Labcorp
Classification: Likely benign for Hereditary breast ovarian cancer syndrome. Last evaluated: 2023-05-28. Review status: criteria provided, single submitter. Criteria: Invitae Variant Classification Sherloc (09022015). Collection method: clinical testing. Allele origin: germline.

Brotman Baty Institute, University of Washington
No classification provided (evidence only). Condition: Breast-ovarian cancer, familial 1. Review status: no classification provided. Collection method: in vitro. Allele origin: not applicable. Functional consequence: functionally_normal. Not counted in ClinVar's aggregate classification.
ClinVar note: "not provided" was previously submitted as the classification for the variant. However, the classification appeared to be based only on an observation of functional data so it was converted to no classification on 2025-07-30.

NM_007294.4(BRCA1):c.5407-7G>A

Gene: BRCA1 (BRCA1 DNA repair associated; minus strand). Cytogenetic location: 17q21.31.
Variant type: single nucleotide variant.
Coding change: c.5407-7G>A on transcript NM_007294.4 (MANE Select); 7 bases into the intron before coding-DNA position 5407, G replaced by A.
Molecular consequence: intron variant.
Genome position (GRCh38, 1-based): chr17:43,047,710, C>T on the plus strand (G>A on the coding strand, the complement: BRCA1 is on the minus strand). VCF-style: chr17-43047710-C-T. GRCh37 (hg19) VCF-style: chr17-41199727-C-T.
Other names: c.5189-7G>A (NM_001407944.1, NM_001407945.1, NM_001407943.1); c.5263-7G>A (NM_001407734.1, NM_001407743.1, NM_001407735.1 and 18 more transcripts); c.5266-7G>A (NM_001407730.1, NM_001407692.1, NM_001407729.1 and 12 more transcripts); c.5137-7G>A (NM_001407934.1, NM_001407935.1, NM_001407936.1); c.1834-7G>A (NM_001408497.1, NM_001408496.1, NM_001408499.1 and 3 more transcripts); c.2098-7G>A (NM_001407973.1, NM_001407975.1, NM_001407978.1 and 3 more transcripts); c.5407-7G>A (NM_001407596.1, NM_001407602.1, NM_001407597.1 and 5 more transcripts); c.4519-7G>A (NM_001407966.1); and 83 more.
Identifiers: ClinVar variation 659926 (VCV000659926.14), dbSNP rs1597799642, ClinGen allele CA915950030.